The following is an entry in ClinVar:

ClinVar aggregate classification (germline): Uncertain significance (1 of 4 stars; one submission).

Conditions:
Cardiovascular phenotype. Identifiers: MedGen CN230736.

Allele frequency attached by ClinVar (database versions not stated): gnomAD exomes below 0.00001.
gnomAD v4.1: 1 of 1,518,920 alleles (0.000066%); highest among the groups gnomAD compares: Non-Finnish European, 0.000088%; no homozygotes.

Submission:

Ambry Genetics
Classification: Uncertain significance for Cardiovascular phenotype. Last evaluated: 2019-11-20. Review status: criteria provided, single submitter. Criteria: Ambry Variant Classification Scheme 2023. Collection method: clinical testing. Allele origin: germline.
Comment: The p.D15172G variant (also known as c.45515A>G), located in coding exon 153 of the TTN gene, results from an A to G substitution at nucleotide position 45515. The aspartic acid at codon 15172 is replaced by glycine, an amino acid with similar properties. This amino acid position is well conserved in available vertebrate species. In addition, the in silico prediction for this alteration is inconclusive. Since supporting evidence is limited at this time, the clinical significance of this alteration remains unclear.

NM_001267550.2(TTN):c.72710A>G (p.Asp24237Gly)

Genes: TTN-AS1 (TTN antisense RNA 1; plus strand), TTN (titin; minus strand). Cytogenetic location: 2q31.2.
Variant type: single nucleotide variant.
Coding change: c.72710A>G on transcript NM_001267550.2 (MANE Select); coding-DNA position 72710, A replaced by G.
Protein change: p.Asp24237Gly; replaces aspartic acid 24237 with glycine.
Molecular consequence: missense variant.
Genome position (GRCh38, 1-based): chr2:178,573,422, T>C on the plus strand (A>G on the coding strand, the complement: TTN is on the minus strand). VCF-style: chr2-178573422-T-C. GRCh37 (hg19) VCF-style: chr2-179438149-T-C.
Other names: c.67787A>G, p.Asp22596Gly (NM_001256850.1); c.45515A>G, p.Asp15172Gly (NM_003319.4); c.65006A>G, p.Asp21669Gly (NM_133378.4); c.45890A>G, p.Asp15297Gly (NM_133432.3); c.46091A>G, p.Asp15364Gly (NM_133437.4); short protein forms D24237G, D15297G, D15364G, D22596G, D21669G, D15172G.
Identifiers: ClinVar variation 1741444 (VCV001741444.2), dbSNP rs2468584542, ClinGen allele CA349645929.